The following is an entry in ClinVar:

NM_024685.4(BBS10):c.1249G>A (p.Ala417Thr)

Gene: BBS10 (Bardet-Biedl syndrome 10; minus strand). Cytogenetic location: 12q21.2.
Variant type: single nucleotide variant.
Coding change: c.1249G>A on transcript NM_024685.4 (MANE Select); coding-DNA position 1249, G replaced by A.
Protein change: p.Ala417Thr; replaces alanine 417 with threonine.
Molecular consequence: missense variant.
Genome position (GRCh38, 1-based): chr12:76,346,736, C>T on the plus strand (G>A on the coding strand, the complement: BBS10 is on the minus strand). VCF-style: chr12-76346736-C-T. GRCh37 (hg19) VCF-style: chr12-76740516-C-T.
Other names: short protein forms A417T.
Identifiers: ClinVar variation 2152157 (VCV002152157.7), dbSNP rs2540955932, ClinGen allele CA385812014.

ClinVar aggregate classification (germline): Conflicting classifications of pathogenicity. Review status: criteria provided, conflicting classifications (1 of 4 stars). 3 submissions from 3 submitters: Pathogenic (1); Uncertain significance (2). Last evaluated 2022-08-31.

Conditions:
Bardet-Biedl syndrome (BBS). Identifiers: Orphanet 110, MedGen C0752166, MONDO:0015229.

Allele frequency attached by ClinVar (database versions not stated): gnomAD exomes below 0.00001.
gnomAD v4.1: 1 of 1,614,102 alleles (0.000062%); highest among the groups gnomAD compares: South Asian, 0.0011%; no homozygotes.

Submissions (3):

Blueprint Genetics
Classification: Uncertain significance. Last evaluated: 2022-08-31. Review status: criteria provided, single submitter. Criteria: ACMG Guidelines, 2015. Collection method: clinical testing. Allele origin: germline.

Labcorp Genetics (formerly Invitae), Labcorp
Classification: Pathogenic for Bardet-Biedl syndrome. Last evaluated: 2022-08-05. Review status: criteria provided, single submitter. Criteria: Invitae Variant Classification Sherloc (09022015). Collection method: clinical testing. Allele origin: germline.
Comment: For these reasons, this variant has been classified as Pathogenic. This variant is not present in population databases (gnomAD no frequency). This sequence change replaces alanine, which is neutral and non-polar, with threonine, which is neutral and polar, at codon 417 of the BBS10 protein (p.Ala417Thr). This missense change has been observed in individual(s) with Bardet–Biedl syndrome (PMID: 29806606). Algorithms developed to predict the effect of missense changes on protein structure and function (SIFT, PolyPhen-2, Align-GVGD) all suggest that this variant is likely to be disruptive. This variant disrupts the p.Ala417 amino acid residue in BBS10. Other variant(s) that disrupt this residue have been determined to be pathogenic (PMID: 21052717, 32531858). This suggests that this residue is clinically significant, and that variants that disrupt this residue are likely to be disease-causing.

SN ONGC Dept of Genetics and Molecular biology Vision Research Foundation
Classification: Uncertain significance for Bardet-Biedl syndrome. Review status: criteria provided, single submitter. Criteria: ACMG Guidelines, 2015. Collection method: research. Allele origin: unknown. Affected: yes.

Literature cited by the submitters: PubMed 29806606 (cited by Labcorp Genetics (formerly Invitae), Labcorp); PubMed 21052717 (cited by Labcorp Genetics (formerly Invitae), Labcorp); PubMed 32531858 (cited by Labcorp Genetics (formerly Invitae), Labcorp).